The following is an entry in ClinVar:

ClinVar aggregate classification (germline): Likely benign. Review status: criteria provided, multiple submitters, no conflicts (2 of 4 stars). 3 submissions from 3 submitters: Likely benign (2). 1 of the submissions does not count toward it. Last evaluated 2025-09-06.

Conditions:
Methylmalonic acidemia with homocystinuria, type cblX (MAHCX). Also called: INTELLECTUAL DEVELOPMENTAL DISORDER, X-LINKED 3. Identifiers: Orphanet 369962, MedGen C0796208, MONDO:0010657, OMIM 309541.
HCFC1-related disorder. Also called: HCFC1-related condition.

Allele frequency attached by ClinVar (database versions not stated): ExAC 0.00002; gnomAD 0.00003; TOPMed 0.00003; gnomAD exomes 0.00004; ESP Exome Variant Server 0.00020.
gnomAD v4.1: 47 of 1,208,922 alleles (0.0039%); highest among the groups gnomAD compares: Non-Finnish European, 0.0053%; no homozygotes.

Submissions (3):

Labcorp Genetics (formerly Invitae), Labcorp
Classification: Likely benign for Methylmalonic acidemia with homocystinuria, type cblX. Last evaluated: 2025-09-06. Review status: criteria provided, single submitter. Criteria: Invitae Variant Classification Sherloc (09022015). Collection method: clinical testing. Allele origin: germline.

CeGaT Center for Human Genetics Tuebingen
Classification: Likely benign. Last evaluated: 2023-05-01. Review status: criteria provided, single submitter. Criteria: CeGaT Center For Human Genetics Tuebingen Variant Classification Criteria Version 2. Collection method: clinical testing. Allele origin: germline. Affected: yes. Observed: 1 variant allele.
Comment: HCFC1: BP4, BP7

PreventionGenetics, part of Exact Sciences
Classification: Likely benign for HCFC1-related condition. Last evaluated: 2019-04-26. Review status: no assertion criteria provided. Collection method: clinical testing. Allele origin: germline. Not counted in ClinVar's aggregate classification.
Comment: This variant is classified as likely benign based on ACMG/AMP sequence variant interpretation guidelines (Richards et al. 2015 PMID: 25741868, with internal and published modifications).

NM_005334.3(HCFC1):c.627C>T (p.Thr209=)

Gene: HCFC1 (host cell factor C1; minus strand). Cytogenetic location: Xq28.
Variant type: single nucleotide variant.
Coding change: c.627C>T on transcript NM_005334.3 (MANE Select); coding-DNA position 627, C replaced by T.
Protein change: p.Thr209=; no amino-acid change (threonine 209 retained).
Molecular consequence: synonymous variant.
Genome position (GRCh38, 1-based): chrX:153,963,310, G>A on the plus strand (C>T on the coding strand, the complement: HCFC1 is on the minus strand). VCF-style: chrX-153963310-G-A. GRCh37 (hg19) VCF-style: chrX-153228761-G-A.
Other names: c.627C>T, p.Thr209= (NM_001410705.1); c.627C>T (NM_005334.2).
Identifiers: ClinVar variation 2661775 (VCV002661775.28), dbSNP rs376699929, ClinGen allele CA10557647.